The following is an entry in ClinVar:

NM_001365536.1(SCN9A):c.4594A>C (p.Met1532Leu)

Genes: SCN9A (sodium voltage-gated channel alpha subunit 9; minus strand), SCN1A-AS1 (SCN1A and SCN9A antisense RNA 1; plus strand). Cytogenetic location: 2q24.3.
Variant type: single nucleotide variant.
Coding change: c.4594A>C on transcript NM_001365536.1 (MANE Select); coding-DNA position 4594, A replaced by C.
Protein change: p.Met1532Leu; replaces methionine 1532 with leucine.
Molecular consequence: missense variant.
Genome position (GRCh38, 1-based): chr2:166,204,135, T>G on the plus strand (A>C on the coding strand, the complement: SCN9A is on the minus strand). VCF-style: chr2-166204135-T-G. GRCh37 (hg19) VCF-style: chr2-167060645-T-G.
Other names: c.4561A>C, p.Met1521Leu (NM_002977.4); short protein forms M1521L, M1532L.
Identifiers: ClinVar variation 3758908 (VCV003758908.2).

ClinVar aggregate classification (germline): Uncertain significance (1 of 4 stars; one submission).

Conditions:
Neuropathy, hereditary sensory and autonomic, type 2A (HSAN2A). Also called: ACROOSTEOLYSIS, GIACCAI TYPE; ACROOSTEOLYSIS, NEUROGENIC; WNK1-Related HSAN2 (HSAN2A); MORVAN DISEASE; NEUROPATHY, CONGENITAL SENSORY; NEUROPATHY, HEREDITARY SENSORY RADICULAR, AUTOSOMAL RECESSIVE. Identifiers: Orphanet 970, MedGen C2752089, MONDO:0024309, OMIM 201300.
Generalized epilepsy with febrile seizures plus, type 7 (GEFSP7). Also called: GEFS+, TYPE 7. Identifiers: Orphanet 36387, MedGen C2751778, MONDO:0013470, OMIM 613863.

Submission:

Labcorp Genetics (formerly Invitae), Labcorp
Classification: Uncertain significance for Neuropathy, hereditary sensory and autonomic, type 2A; Generalized epilepsy with febrile seizures plus, type 7. Last evaluated: 2024-10-13. Review status: criteria provided, single submitter. Criteria: Invitae Variant Classification Sherloc (09022015). Collection method: clinical testing. Allele origin: germline.
Comment: This sequence change replaces methionine, which is neutral and non-polar, with leucine, which is neutral and non-polar, at codon 1521 of the SCN9A protein (p.Met1521Leu). This variant is not present in population databases (gnomAD no frequency). This variant has not been reported in the literature in individuals affected with SCN9A-related conditions. Invitae Evidence Modeling of protein sequence and biophysical properties (such as structural, functional, and spatial information, amino acid conservation, physicochemical variation, residue mobility, and thermodynamic stability) indicates that this missense variant is not expected to disrupt SCN9A protein function with a negative predictive value of 95%. In summary, the available evidence is currently insufficient to determine the role of this variant in disease. Therefore, it has been classified as a Variant of Uncertain Significance.